The following is an entry in ClinVar:

ClinVar aggregate classification (germline): Uncertain significance (1 of 4 stars; one submission).

Conditions:
Inclusion body myopathy with early-onset Paget disease with or without frontotemporal dementia 2 (IBMPFD2). Also called: MULTISYSTEM PROTEINOPATHY 2. Identifiers: MedGen C3809468, MONDO:0014178, OMIM 615422.

Submission:

Labcorp Genetics (formerly Invitae), Labcorp
Classification: Uncertain significance for Inclusion body myopathy with early-onset Paget disease with or without frontotemporal dementia 2. Last evaluated: 2021-11-04. Review status: criteria provided, single submitter. Criteria: Invitae Variant Classification Sherloc (09022015). Collection method: clinical testing. Allele origin: germline.
Comment: This sequence change falls in intron 5 of the HNRNPA2B1 gene. It does not directly change the encoded amino acid sequence of the HNRNPA2B1 protein. It affects a nucleotide within the consensus splice site. This variant is not present in population databases (gnomAD no frequency). This variant has not been reported in the literature in individuals affected with HNRNPA2B1-related conditions. Variants that disrupt the consensus splice site are a relatively common cause of aberrant splicing (PMID: 17576681, 9536098). Algorithms developed to predict the effect of sequence changes on RNA splicing suggest that this variant may disrupt the consensus splice site. In summary, the available evidence is currently insufficient to determine the role of this variant in disease. Therefore, it has been classified as a Variant of Uncertain Significance.

Literature cited by the submitters: PubMed 17576681; PubMed 9536098.

NM_002137.4(HNRNPA2B1):c.475+6T>A

Gene: HNRNPA2B1 (heterogeneous nuclear ribonucleoprotein A2/B1; minus strand). Cytogenetic location: 7p15.2.
Variant type: single nucleotide variant.
Coding change: c.475+6T>A on transcript NM_002137.4 (MANE Select); 6 bases into the intron after coding-DNA position 475, T replaced by A.
Molecular consequence: intron variant.
Genome position (GRCh38, 1-based): chr7:26,196,801, A>T on the plus strand (T>A on the coding strand, the complement: HNRNPA2B1 is on the minus strand). VCF-style: chr7-26196801-A-T. GRCh37 (hg19) VCF-style: chr7-26236421-A-T.
Other names: c.475+6T>A (NM_001438578.1, NM_001438576.1, NM_001438575.1 and 4 more transcripts); c.511+6T>A (NM_001438574.1, NM_001438573.1, NM_001438568.1 and 3 more transcripts).
Identifiers: ClinVar variation 1349339 (VCV001349339.6), dbSNP rs1783699263, ClinGen allele CA2573142067.